The following is an entry in ClinVar:

NM_002067.5(GNA11):c.605+6G>A

Gene: GNA11 (G protein subunit alpha 11; plus strand). Cytogenetic location: 19p13.3.
Variant type: single nucleotide variant.
Coding change: c.605+6G>A on transcript NM_002067.5 (MANE Select); 6 bases into the intron after coding-DNA position 605, G replaced by A.
Molecular consequence: intron variant.
Genome position (GRCh38, 1-based): chr19:3,115,078, G>A. VCF-style: chr19-3115078-G-A. GRCh37 (hg19) VCF-style: chr19-3115076-G-A.
Identifiers: ClinVar variation 2887658 (VCV002887658.3), dbSNP rs867185796, ClinGen allele CA631475675.

ClinVar aggregate classification (germline): Uncertain significance (1 of 4 stars; one submission).

gnomAD v4.1: 12 of 1,605,954 alleles (0.00075%); highest among the groups gnomAD compares: South Asian, 0.0023%; no homozygotes.

Submission:

Labcorp Genetics (formerly Invitae), Labcorp
Classification: Uncertain significance. Last evaluated: 2022-12-14. Review status: criteria provided, single submitter. Criteria: Invitae Variant Classification Sherloc (09022015). Collection method: clinical testing. Allele origin: germline.
Comment: This sequence change falls in intron 4 of the GNA11 gene. It does not directly change the encoded amino acid sequence of the GNA11 protein. It affects a nucleotide within the consensus splice site. This variant is present in population databases (no rsID available, gnomAD 0.0009%). This variant has not been reported in the literature in individuals affected with GNA11-related conditions. Variants that disrupt the consensus splice site are a relatively common cause of aberrant splicing (PMID: 17576681, 9536098). Algorithms developed to predict the effect of sequence changes on RNA splicing suggest that this variant is not likely to affect RNA splicing. In summary, the available evidence is currently insufficient to determine the role of this variant in disease. Therefore, it has been classified as a Variant of Uncertain Significance.

Literature cited by the submitters: PubMed 17576681; PubMed 9536098.